The following is an entry in ClinVar:

NM_000179.3(MSH6):c.4033_4034del (p.Val1345fs)

Gene: MSH6 (mutS homolog 6; plus strand). Cytogenetic location: 2p16.3.
Variant type: Deletion.
Coding change: c.4033_4034del on transcript NM_000179.3 (MANE Select); coding-DNA positions 4033 to 4034, 2 bases deleted (GT; older notation c.4033_4034delGT).
Protein change: p.Val1345fs; shifts the reading frame from valine 1345.
Molecular consequence: frameshift variant.
Genome position (GRCh38, 1-based): chr2:47,806,810-47,806,811, GT deleted; deleting any 2 consecutive bases within chr2:47,806,809-47,806,811 gives the same sequence; the c. name uses the placement nearest the transcript's 3' end. VCF-style (leftmost placement, unchanged base first): chr2-47806808-CTG-C. GRCh37 (hg19) VCF-style: chr2-48033947-CTG-C.
Other names: c.3643_3644del, p.Val1215fs (NM_001281492.2); c.3127_3128del, p.Val1043fs (NM_001281493.2, NM_001281494.2); c.4129_4130delGT, p.Val1377Argfs (NM_001406795.1); c.4033_4034delGT, p.Val1345Argfs (NM_001406796.1, NM_001406809.1); c.3736_3737delGT, p.Val1246Argfs (NM_001406797.1, NM_001406805.1, NM_001406818.1 and 8 more transcripts); c.3859_3860delGT, p.Val1287Argfs (NM_001406798.1); c.3508_3509delGT, p.Val1170Argfs (NM_001406799.1, NM_001406806.1, NM_001406807.1); c.*54_*55delGT (NM_001406800.1); and 10 more; short protein forms V1215fs, V1043fs, V1345fs.
Identifiers: ClinVar variation 2171720 (VCV002171720.5), dbSNP rs2530894710, ClinGen allele CA2580067593.

ClinVar aggregate classification (germline): Uncertain significance. Review status: criteria provided, multiple submitters, no conflicts (2 of 4 stars). 2 submissions from 2 submitters: Uncertain significance (2). Last evaluated 2025-04-08.

Conditions:
Hereditary cancer-predisposing syndrome. Also called: Hereditary neoplastic syndrome; Neoplastic Syndromes, Hereditary; Hereditary Cancer Syndrome; Tumor predisposition. Identifiers: Orphanet 140162, MedGen C0027672, MeSH D009386, MONDO:0015356.
Hereditary nonpolyposis colorectal neoplasms. Identifiers: MedGen C0009405, MeSH D003123.

Submissions (2):

Ambry Genetics
Classification: Uncertain significance for Hereditary cancer-predisposing syndrome. Last evaluated: 2025-04-08. Review status: criteria provided, single submitter. Criteria: Ambry Variant Classification Scheme 2023. Collection method: clinical testing. Allele origin: germline.
Comment: The c.4033_4034delGT variant, located in coding exon 10 of the MSH6 gene, results from a deletion of two nucleotides at nucleotide positions 4033 to 4034, causing a translational frameshift with a predicted alternate stop codon (p.V1345Rfs*3). This alteration occurs at the 3' terminus of the MSH6 gene, is not expected to trigger nonsense-mediated mRNAdecay, and impacts the last 16 amino acids of the protein. The exact functional effect of this alteration is unknown. Based on the available evidence, the clinical significance of this variant remains unclear.

Labcorp Genetics (formerly Invitae), Labcorp
Classification: Uncertain significance for Hereditary nonpolyposis colorectal neoplasms. Last evaluated: 2022-06-07. Review status: criteria provided, single submitter. Criteria: Invitae Variant Classification Sherloc (09022015). Collection method: clinical testing. Allele origin: germline.
Comment: In summary, the available evidence is currently insufficient to determine the role of this variant in disease. Therefore, it has been classified as a Variant of Uncertain Significance. Experimental studies and prediction algorithms are not available or were not evaluated, and the functional significance of this variant is currently unknown. This sequence change creates a premature translational stop signal (p.Val1345Argfs*3) in the MSH6 gene. While this is not anticipated to result in nonsense mediated decay, it is expected to disrupt the last 16 amino acid(s) of the MSH6 protein. This variant is not present in population databases (gnomAD no frequency). This variant has not been reported in the literature in individuals affected with MSH6-related conditions.